The following is an entry in ClinVar:

ClinVar aggregate classification (germline): Uncertain significance. Review status: criteria provided, multiple submitters, no conflicts (2 of 4 stars). 2 submissions from 2 submitters: Uncertain significance (2). Last evaluated 2024-03-06.

Conditions:
Cardiomyopathy (CMYO). Also called: Cardiomyopathies. Identifiers: Orphanet 167848, MedGen C0878544, MONDO:0004994, HP:0001638. Inheritance: Various modes of inheritance.
Hypertrophic cardiomyopathy. Also called: HYPERTROPHIC MYOCARDIOPATHY. Identifiers: Orphanet 217569, MedGen C0007194, MeSH D002312, MONDO:0005045, HP:0001639.

Submissions (2):

Color Diagnostics, LLC DBA Color Health
Classification: Uncertain significance for Cardiomyopathy. Last evaluated: 2024-03-06. Review status: criteria provided, single submitter. Criteria: ACMG Guidelines, 2015. Collection method: clinical testing. Allele origin: germline.
Comment: This missense variant replaces glutamic acid with lysine at codon 1168 of the MYH7 protein. Computational prediction suggests that this variant may have deleterious impact on protein structure and function (internally defined REVEL score threshold >= 0.7, PMID: 27666373). To our knowledge, functional studies have not been reported for this variant. This variant has not been reported in individuals affected with cardiovascular disorders in the literature. This variant has not been identified in the general population by the Genome Aggregation Database (gnomAD). The available evidence is insufficient to determine the role of this variant in disease conclusively. Therefore, this variant is classified as a Variant of Uncertain Significance.

Labcorp Genetics (formerly Invitae), Labcorp
Classification: Uncertain significance for Hypertrophic cardiomyopathy. Last evaluated: 2020-10-13. Review status: criteria provided, single submitter. Criteria: Invitae Variant Classification Sherloc (09022015). Collection method: clinical testing. Allele origin: germline.
Comment: This variant is not present in population databases (ExAC no frequency). In summary, the available evidence is currently insufficient to determine the role of this variant in disease. Therefore, it has been classified as a Variant of Uncertain Significance. Algorithms developed to predict the effect of missense changes on protein structure and function are either unavailable or do not agree on the potential impact of this missense change (SIFT: "Deleterious"; PolyPhen-2: "Probably Damaging"; Align-GVGD: "Class C0"). This variant has not been reported in the literature in individuals with MYH7-related conditions. ClinVar contains an entry for this variant (Variation ID: 628195). This sequence change replaces glutamic acid with lysine at codon 1168 of the MYH7 protein (p.Glu1168Lys). The glutamic acid residue is highly conserved and there is a small physicochemical difference between glutamic acid and lysine.

NM_000257.4(MYH7):c.3502G>A (p.Glu1168Lys)

Gene: MYH7 (myosin heavy chain 7; minus strand). Cytogenetic location: 14q11.2.
Variant type: single nucleotide variant.
Coding change: c.3502G>A on transcript NM_000257.4 (MANE Select); coding-DNA position 3502, G replaced by A.
Protein change: p.Glu1168Lys; replaces glutamic acid 1168 with lysine.
Molecular consequence: missense variant.
Genome position (GRCh38, 1-based): chr14:23,420,069, C>T on the plus strand (G>A on the coding strand, the complement: MYH7 is on the minus strand). VCF-style: chr14-23420069-C-T. GRCh37 (hg19) VCF-style: chr14-23889278-C-T.
Other names: short protein forms E1168K.
Identifiers: ClinVar variation 628195 (VCV000628195.14), dbSNP rs1566527832, ClinGen allele CA389043674.
Genomic context (GRCh38, chr14:23,420,069, plus strand): 5'-TGGCCTCGTGCTGCAGCGTGGCCTCCTCCAGGTCCCGCCGCATCTTCTGGAACTCGGCCT[C>T]GCGCTTCTTGTTCATCTCGATCTGCACGGACGTGGCCCCGCCGGCCTCTTCCAGCCGCTC-3'
Protein context (NP_000248.2, residues 1158-1178): SVQIEMNKKR[Glu1168Lys]AEFQKMRRDL